The following is an entry in ClinVar:

NM_015114.3(ANKLE2):c.1031C>A (p.Thr344Asn)

Gene: ANKLE2 (ankyrin repeat and LEM domain containing 2; minus strand). Cytogenetic location: 12q24.33.
Variant type: single nucleotide variant.
Coding change: c.1031C>A on transcript NM_015114.3 (MANE Select); coding-DNA position 1031, C replaced by A.
Protein change: p.Thr344Asn; replaces threonine 344 with asparagine.
Molecular consequence: missense variant.
Genome position (GRCh38, 1-based): chr12:132,748,148, G>T on the plus strand (C>A on the coding strand, the complement: ANKLE2 is on the minus strand). VCF-style: chr12-132748148-G-T. GRCh37 (hg19) VCF-style: chr12-133324734-G-T.
Other names: short protein forms T344N.
Identifiers: ClinVar variation 3389622 (VCV003389622.14).

ClinVar aggregate classification (germline): Uncertain significance (1 of 4 stars; one submission).

gnomAD v4.1: 2 of 1,613,754 alleles (0.00012%); highest among the groups gnomAD compares: Admixed American, 0.0033%; no homozygotes.

Submission:

CeGaT Center for Human Genetics Tuebingen
Classification: Uncertain significance. Last evaluated: 2024-09-01. Review status: criteria provided, single submitter. Criteria: CeGaT Center For Human Genetics Tuebingen Variant Classification Criteria Version 2. Collection method: clinical testing. Allele origin: germline. Affected: yes. Observed: 1 variant allele.
Comment: ANKLE2: PM2